The following is an entry in ClinVar:

ClinVar aggregate classification (germline): Uncertain significance (1 of 4 stars; one submission).

Conditions:
Inborn genetic diseases. Identifiers: MedGen C0950123, MeSH D030342.

gnomAD v4.1: 1 of 1,604,890 alleles (0.000062%); highest among the groups gnomAD compares: Admixed American, 0.0017%; no homozygotes.

Submission:

Ambry Genetics
Classification: Uncertain significance for Inborn genetic diseases. Last evaluated: 2025-10-10. Review status: criteria provided, single submitter. Criteria: Ambry Variant Classification Scheme 2023. Collection method: clinical testing. Allele origin: germline.
Comment: The p.E129Q variant (also known as c.385G>C), located in coding exon 3 of the MECOM gene, results from a G to C substitution at nucleotide position 385. The glutamic acid at codon 129 is replaced by glutamine, an amino acid with highly similar properties. This amino acid position is conserved. In addition, the in silico prediction for this alteration is inconclusive. Based on the available evidence, the clinical significance of this variant remains unclear.

NM_004991.4(MECOM):c.385G>C (p.Glu129Gln)

Gene: MECOM (MDS1 and EVI1 complex locus; minus strand). Cytogenetic location: 3q26.2.
Variant type: single nucleotide variant.
Coding change: c.385G>C on transcript NM_004991.4 (MANE Select); coding-DNA position 385, G replaced by C.
Protein change: p.Glu129Gln; replaces glutamic acid 129 with glutamine.
Molecular consequence: missense variant. On other transcripts: 5 prime UTR variant (12).
Genome position (GRCh38, 1-based): chr3:169,143,823, C>G on the plus strand (G>C on the coding strand, the complement: MECOM is on the minus strand). VCF-style: chr3-169143823-C-G. GRCh37 (hg19) VCF-style: chr3-168861611-C-G.
Other names: c.13G>C, p.Glu5Gln (NM_001105077.4); c.-180G>C (NM_001105078.4, NM_001163999.2, NM_001164000.2 and 9 more transcripts); c.385G>C, p.Glu129Gln (NM_001366466.2, NM_001366473.2); short protein forms E5Q, E129Q.
Identifiers: ClinVar variation 4624635 (VCV004624635.1).